The following is an entry in ClinVar:

NM_152743.4(BRAT1):c.1321+1_1321+15del

Gene: BRAT1 (BRCA1 associated ATM activator 1; minus strand). Cytogenetic location: 7p22.3.
Variant type: Deletion.
Coding change: c.1321+1_1321+15del on transcript NM_152743.4 (MANE Select); the canonical splice donor site of the intron after coding-DNA position 1321 through 15 bases into the intron after coding-DNA position 1321, 15 bases deleted (GTGAGTGTGTTCTGT).
Molecular consequence: splice donor variant.
Genome position (GRCh38, 1-based): chr7:2,541,283-2,541,297, ACAGAACACACTCAC deleted on the plus strand (GTGAGTGTGTTCTGT on the coding strand, the reverse complement: BRAT1 is on the minus strand). VCF-style (leftmost placement, unchanged base first): chr7-2541282-TACAGAACACACTCAC-T. GRCh37 (hg19) VCF-style: chr7-2580916-TACAGAACACACTCAC-T.
Other names: c.796+1_796+15del (NM_001350627.2); c.1321+1_1321+15del (NM_001350626.2).
Identifiers: ClinVar variation 5019887 (VCV005019887.2).

ClinVar aggregate classification (germline): Likely pathogenic (1 of 4 stars; one submission).

Conditions:
Neonatal-onset encephalopathy with rigidity and seizures. Also called: Lethal neonatal spasticity-epileptic encephalopathy syndrome. Identifiers: Orphanet 435845, MedGen C3281029, MONDO:0013784, OMIM 614498.
Neurodevelopmental disorder with cerebellar atrophy and with or without seizures. Identifiers: MedGen C4748032, MONDO:0020841, OMIM 618056.

Submission:

Juno Genomics, Hangzhou Juno Genomics, Inc
Classification: Likely pathogenic for Neurodevelopmental disorder with cerebellar atrophy and with or without seizures; Neonatal-onset encephalopathy with rigidity and seizures. Review status: criteria provided, single submitter. Criteria: ACMG Guidelines, 2015. Collection method: clinical testing. Allele origin: germline.
Comment: Absent from controls (or at extremely low frequency if recessive) in Genome Aggregation Database.;Null variant in a gene where loss of function (LOF) is a known mechanism of disease.